The following is an entry in ClinVar:

NM_032737.4(LMNB2):c.855+15C>T

Genes: LMNB2 (lamin B2; minus strand), MIR7108 (microRNA 7108; minus strand). Cytogenetic location: 19p13.3.
Variant type: single nucleotide variant.
Coding change: c.855+15C>T on transcript NM_032737.4 (MANE Select); 15 bases into the intron after coding-DNA position 855, C replaced by T.
Molecular consequence: intron variant. On other transcripts: non-coding transcript variant (1).
Genome position (GRCh38, 1-based): chr19:2,434,986, G>A on the plus strand (C>T on the coding strand, the complement: LMNB2 is on the minus strand). VCF-style: chr19-2434986-G-A. GRCh37 (hg19) VCF-style: chr19-2434984-G-A.
Identifiers: ClinVar variation 1479740 (VCV001479740.8), dbSNP rs371996134, ClinGen allele CA9067739.

ClinVar aggregate classification (germline): Uncertain significance (1 of 4 stars; one submission).

Conditions:
Progressive myoclonic epilepsy type 9. Identifiers: Orphanet 457265, MedGen C4225289, MONDO:0014685, OMIM 616540.
Lipodystrophy, partial, acquired, susceptibility to (APLD). Also called: APLD, SUSCEPTIBILITY TO. Identifiers: MedGen C3887501, MONDO:0100476, OMIM 608709.

Allele frequency attached by ClinVar (database versions not stated): gnomAD exomes below 0.00001; ExAC 0.00001; gnomAD 0.00001; TOPMed 0.00001; ESP Exome Variant Server 0.00008.
gnomAD v4.1: 4 of 691,350 alleles (0.00058%); highest among the groups gnomAD compares: South Asian, 0.0014%; no homozygotes.

Submission:

Labcorp Genetics (formerly Invitae), Labcorp
Classification: Uncertain significance for Progressive myoclonic epilepsy type 9; Lipodystrophy, partial, acquired, susceptibility to. Last evaluated: 2022-10-17. Review status: criteria provided, single submitter. Criteria: Invitae Variant Classification Sherloc (09022015). Collection method: clinical testing. Allele origin: germline.
Comment: This sequence change falls in intron 5 of the LMNB2 gene. It does not directly change the encoded amino acid sequence of the LMNB2 protein. The frequency data for this variant in the population databases is considered unreliable, as metrics indicate poor data quality at this position in the gnomAD database. This variant has not been reported in the literature in individuals affected with LMNB2-related conditions. ClinVar contains an entry for this variant (Variation ID: 1479740). Algorithms developed to predict the effect of sequence changes on RNA splicing suggest that this variant may create or strengthen a splice site. In summary, the available evidence is currently insufficient to determine the role of this variant in disease. Therefore, it has been classified as a Variant of Uncertain Significance.